The following is an entry in ClinVar:

NM_133450.4(ANKS3):c.42G>C (p.Leu14=)

Gene: ANKS3 (ankyrin repeat and sterile alpha motif domain containing 3; minus strand). Cytogenetic location: 16p13.3.
Variant type: single nucleotide variant.
Coding change: c.42G>C on transcript NM_133450.4 (MANE Select); coding-DNA position 42, G replaced by C.
Protein change: p.Leu14=; no amino-acid change (leucine 14 retained).
Molecular consequence: synonymous variant. On other transcripts: 5 prime UTR variant (2), non-coding transcript variant (1), intron variant (1).
Genome position (GRCh38, 1-based): chr16:4,730,108, C>G on the plus strand (G>C on the coding strand, the complement: ANKS3 is on the minus strand). VCF-style: chr16-4730108-C-G. GRCh37 (hg19) VCF-style: chr16-4780109-C-G.
Other names: c.42G>C, p.Leu14= (NM_001242929.2); c.-147G>C (NM_001308089.2); c.-898G>C (NM_001324130.2); c.-29+4048G>C (NM_001324129.2).
Identifiers: ClinVar variation 718366 (VCV000718366.28), dbSNP rs140964348, ClinGen allele CA7880496.
Genomic context (GRCh38, chr16:4,730,108, plus strand): 5'-ATCCAGCTCCTCCCCGCTGACCTGTGTCCCGAGCCCGTGCCACATGGACAAGCTGCGGTT[C>G]AGGAGTTCCGGCTCGCTGGCTTCATCGCTGAGCTCGGACATCACTGAGGAGGAAGGCCCA-3'
Protein context (NP_597707.1, residues 4-24): LSDEASEPEL[Leu14=]NRSLSMWHGL

ClinVar aggregate classification (germline): Benign/Likely benign. Review status: criteria provided, multiple submitters, no conflicts (2 of 4 stars). 3 submissions from 3 submitters: Benign (2); Likely benign (1). Last evaluated 2022-03-01.

Allele frequency attached by ClinVar (database versions not stated): gnomAD exomes 0.00220; ExAC 0.00223; TOPMed 0.00241; gnomAD 0.00251; ESP Exome Variant Server 0.00254; 1000 Genomes Project 0.00140; 1000 Genomes Project 30x 0.00141.
gnomAD v4.1: 5,802 of 1,592,248 alleles (0.36%); highest among the groups gnomAD compares: Non-Finnish European, 0.44%; 28 homozygotes.

Submissions (3):

CeGaT Center for Human Genetics Tuebingen
Classification: Likely benign. Last evaluated: 2022-03-01. Review status: criteria provided, single submitter. Criteria: CeGaT Center For Human Genetics Tuebingen Variant Classification Criteria Version 2. Collection method: clinical testing. Allele origin: germline. Affected: yes. Observed: 1 variant allele.
Comment: ANKS3: BP4, BP7

Labcorp Genetics (formerly Invitae), Labcorp
Classification: Benign. Last evaluated: 2017-10-13. Review status: criteria provided, single submitter. Criteria: Invitae Variant Classification Sherloc (09022015). Collection method: clinical testing. Allele origin: germline.

Breakthrough Genomics
Classification: Benign. Review status: criteria provided, single submitter. Criteria: ACMG Guidelines, 2015. Collection method: not provided. Allele origin: germline. Inheritance: Unknown mechanism. Affected: yes.